The following is an entry in ClinVar:

ClinVar aggregate classification (germline): Pathogenic (1 of 4 stars; one submission).

Conditions:
Lowe syndrome (OCRL). Also called: LOWE OCULOCEREBRORENAL SYNDROME; PHOSPHATIDYLINOSITOL 4,5-BISPHOSPHATE 5-PHOSPHATASE DEFICIENCY; Oculocerebrorenal Syndrome. Identifiers: Orphanet 534, MedGen C0028860, MONDO:0010645, OMIM 309000.

Submission:

Labcorp Genetics (formerly Invitae), Labcorp
Classification: Pathogenic for Lowe syndrome. Last evaluated: 2025-08-10. Review status: criteria provided, single submitter. Criteria: Invitae Variant Classification Sherloc (09022015). Collection method: clinical testing. Allele origin: germline.
Comment: This sequence change creates a premature translational stop signal (p.Gln510*) in the OCRL gene. It is expected to result in an absent or disrupted protein product. Loss-of-function variants in OCRL are known to be pathogenic (PMID: 19390221, 21031565, 22381590). This variant is not present in population databases (gnomAD no frequency). This premature translational stop signal has been observed in individual(s) with Lowe syndrome (PMID: 21448331, 35919034). For these reasons, this variant has been classified as Pathogenic.

Literature cited by the submitters: PubMed 19390221; PubMed 21031565; PubMed 22381590; PubMed 21448331; PubMed 35919034.

NM_000276.4(OCRL):c.1528C>T (p.Gln510Ter)

Gene: OCRL (OCRL inositol polyphosphate-5-phosphatase; plus strand). Cytogenetic location: Xq26.1.
Variant type: single nucleotide variant.
Coding change: c.1528C>T on transcript NM_000276.4 (MANE Select); coding-DNA position 1528, C replaced by T.
Protein change: p.Gln510Ter; replaces glutamine 510 with a stop codon.
Molecular consequence: nonsense.
Genome position (GRCh38, 1-based): chrX:129,569,325, C>T. VCF-style: chrX-129569325-C-T. GRCh37 (hg19) VCF-style: chrX-128703302-C-T.
Other names: c.1531C>T, p.Gln511Ter (NM_001318784.2); c.1528C>T, p.Gln510Ter (NM_001587.4); short protein forms Q511*, Q510*.
Identifiers: ClinVar variation 4710878 (VCV004710878.1).